The following is an entry in ClinVar:

ClinVar aggregate classification (germline): Conflicting classifications of pathogenicity. Review status: criteria provided, conflicting classifications (1 of 4 stars). 3 submissions from 3 submitters: Uncertain significance (2); Likely benign (1). Last evaluated 2026-08-04.

Conditions:
MYPN-related disorder. Also called: MYPN-related condition.
Dilated cardiomyopathy 1KK (CMD1KK). Identifiers: Orphanet 154, Orphanet 75249, MedGen C3714995, MONDO:0014100, OMIM 615248.
Cardiovascular phenotype. Identifiers: MedGen CN230736.

Allele frequency attached by ClinVar (database versions not stated): gnomAD exomes 0.00001; TOPMed 0.00001.
gnomAD v4.1: 6 of 1,614,044 alleles (0.00037%); highest among the groups gnomAD compares: Admixed American, 0.0083%; no homozygotes.

Submissions (3):

PreventionGenetics, part of Exact Sciences
Classification: Uncertain significance for MYPN-related condition. Last evaluated: 2026-08-04. Review status: criteria provided, single submitter. Criteria: ACMG Guidelines, 2015. Collection method: clinical testing. Allele origin: germline.
Comment: The MYPN c.342G>C variant is predicted to result in the amino acid substitution p.Glu114Asp. To our knowledge, this variant has not been reported in the literature. This variant is reported in 0.0085% of alleles in individuals of Latino descent in gnomAD. At this time, the clinical significance of this variant is uncertain due to the absence of conclusive functional and genetic evidence.

Ambry Genetics
Classification: Likely benign for Cardiovascular phenotype. Last evaluated: 2025-09-24. Review status: criteria provided, single submitter. Criteria: Ambry Variant Classification Scheme 2023. Collection method: clinical testing. Allele origin: germline.

Labcorp Genetics (formerly Invitae), Labcorp
Classification: Uncertain significance for Dilated cardiomyopathy 1KK. Last evaluated: 2025-09-03. Review status: criteria provided, single submitter. Criteria: Invitae Variant Classification Sherloc (09022015). Collection method: clinical testing. Allele origin: germline.
Comment: This sequence change replaces glutamic acid, which is acidic and polar, with aspartic acid, which is acidic and polar, at codon 114 of the MYPN protein (p.Glu114Asp). This variant is present in population databases (no rsID available, gnomAD 0.009%). This variant has not been reported in the literature in individuals affected with MYPN-related conditions. ClinVar contains an entry for this variant (Variation ID: 1408218). An algorithm developed to predict the effect of missense changes on protein structure and function outputs the following: PolyPhen-2: "Benign". The aspartic acid amino acid residue is found in multiple mammalian species, which suggests that this missense change does not adversely affect protein function. In summary, the available evidence is currently insufficient to determine the role of this variant in disease. Therefore, it has been classified as a Variant of Uncertain Significance.

NM_032578.4(MYPN):c.342G>C (p.Glu114Asp)

Gene: MYPN (myopalladin; plus strand). Cytogenetic location: 10q21.3.
Variant type: single nucleotide variant.
Coding change: c.342G>C on transcript NM_032578.4 (MANE Select); coding-DNA position 342, G replaced by C.
Protein change: p.Glu114Asp; replaces glutamic acid 114 with aspartic acid.
Molecular consequence: missense variant. On other transcripts: 5 prime UTR variant (1), non-coding transcript variant (1).
Genome position (GRCh38, 1-based): chr10:68,121,780, G>C. VCF-style: chr10-68121780-G-C. GRCh37 (hg19) VCF-style: chr10-69881537-G-C.
Other names: c.342G>C, p.Glu114Asp (NM_001256267.2); c.-781G>C (NM_001256268.2); c.342G>C (NM_032578.3); short protein forms E114D.
Identifiers: ClinVar variation 1408218 (VCV001408218.12), dbSNP rs1271454652, ClinGen allele CA377104133.